The following is an entry in ClinVar:

NM_001170700.3(DTHD1):c.1926C>T (p.Asp642=)

Gene: DTHD1 (death domain containing 1; plus strand). Cytogenetic location: 4p14.
Variant type: single nucleotide variant.
Coding change: c.1926C>T on transcript NM_001170700.3 (MANE Select); coding-DNA position 1926, C replaced by T.
Protein change: p.Asp642=; no amino-acid change (aspartic acid 642 retained).
Molecular consequence: synonymous variant. On other transcripts: non-coding transcript variant (2).
Genome position (GRCh38, 1-based): chr4:36,308,324, C>T. VCF-style: chr4-36308324-C-T. GRCh37 (hg19) VCF-style: chr4-36309946-C-T.
Other names: c.1056C>T (NM_001136536.4); c.1056C>T, p.Asp352= (NM_001136536.5); c.993C>T, p.Asp331= (NM_001378435.1).
Identifiers: ClinVar variation 1165833 (VCV001165833.12), dbSNP rs187161267, ClinGen allele CA2885686.

ClinVar aggregate classification (germline): Benign/Likely benign. Review status: criteria provided, multiple submitters, no conflicts (2 of 4 stars). 3 submissions from 3 submitters: Benign (1); Likely benign (1). 1 of the submissions does not count toward it. Last evaluated 2025-11-19.

Conditions:
DTHD1-related disorder. Also called: DTHD1-related condition.

Allele frequency attached by ClinVar (database versions not stated): ExAC 0.00036; 1000 Genomes Project 30x 0.00047; 1000 Genomes Project 0.00060; ESP Exome Variant Server 0.00088; gnomAD 0.00117 and 0.00128; TOPMed 0.00133.
gnomAD v4.1: 329 of 1,551,988 alleles (0.021%); highest among the groups gnomAD compares: African/African-American, 0.41%; 1 homozygote.

Submissions (3):

Labcorp Genetics (formerly Invitae), Labcorp
Classification: Benign. Last evaluated: 2025-11-19. Review status: criteria provided, single submitter. Criteria: Invitae Variant Classification Sherloc (09022015). Collection method: clinical testing. Allele origin: germline.

Blueprint Genetics
Classification: Likely benign. Last evaluated: 2024-05-27. Review status: criteria provided, single submitter. Criteria: ACMG Guidelines, 2015. Collection method: clinical testing. Allele origin: germline.

PreventionGenetics, part of Exact Sciences
Classification: Likely benign for DTHD1-related condition. Last evaluated: 2019-06-13. Review status: no assertion criteria provided. Collection method: clinical testing. Allele origin: germline. Not counted in ClinVar's aggregate classification.
Comment: This variant is classified as likely benign based on ACMG/AMP sequence variant interpretation guidelines (Richards et al. 2015 PMID: 25741868, with internal and published modifications).